The following is an entry in ClinVar:

NM_000038.6(APC):c.3311C>G (p.Ser1104Ter)

Gene: APC (APC regulator of Wnt signaling pathway; plus strand). Cytogenetic location: 5q22.2.
Variant type: single nucleotide variant.
Coding change: c.3311C>G on transcript NM_000038.6 (MANE Select); coding-DNA position 3311, C replaced by G.
Protein change: p.Ser1104Ter; replaces serine 1104 with a stop codon.
Molecular consequence: nonsense.
Genome position (GRCh38, 1-based): chr5:112,838,905, C>G. VCF-style: chr5-112838905-C-G. GRCh37 (hg19) VCF-style: chr5-112174602-C-G.
Other names: c.3311C>G, p.Ser1104Ter (NM_001127510.3, NM_001354895.2); c.3257C>G, p.Ser1086Ter (NM_001127511.3); c.3365C>G, p.Ser1122Ter (NM_001354896.2); c.3341C>G, p.Ser1114Ter (NM_001354897.2); c.3236C>G, p.Ser1079Ter (NM_001354898.2); c.3227C>G, p.Ser1076Ter (NM_001354899.2); c.3188C>G, p.Ser1063Ter (NM_001354900.2); c.3134C>G, p.Ser1045Ter (NM_001354901.2); and 5 more; short protein forms S1076*, S978*, S1003*, S1013*, S1079*, S1114*, S821*, S944*.
Identifiers: ClinVar variation 647928 (VCV000647928.11), dbSNP rs1580633796, ClinGen allele CA16028601.

ClinVar aggregate classification (germline): Pathogenic. Review status: criteria provided, multiple submitters, no conflicts (2 of 4 stars). 2 submissions from 2 submitters: Pathogenic (2). Last evaluated 2023-11-20.

Conditions:
Classic or attenuated familial adenomatous polyposis. Identifiers: MedGen CN372698, MONDO:0021057.
Familial adenomatous polyposis 1 (FAP1). Also called: FAMILIAL ADENOMATOUS POLYPOSIS 1, ATTENUATED; POLYPOSIS, ADENOMATOUS INTESTINAL. Identifiers: MedGen C2713442, MONDO:0021056, OMIM 175100. Disease mechanism: loss of function.

Submissions (2):

All of Us Research Program, National Institutes of Health
Classification: Pathogenic for Classic or attenuated familial adenomatous polyposis. Last evaluated: 2023-11-20. Review status: criteria provided, single submitter. Criteria: ACMG Guidelines, 2015. Collection method: clinical testing. Allele origin: germline. Inheritance: Autosomal dominant inheritance. Observed: 1 variant allele, 1 heterozygote.
Comment: This variant changes 1 nucleotide in exon 16 of the APC gene, creating a premature translation stop signal. The mutant transcript is predicted to escape nonsense-mediated decay and be expressed as a truncated protein. Truncations N-terminal to amino acid 2645 are expected to be disease causing. This variant has been reported in one family affected with familial adenomatous polyposis and was shown to segregate with the disease in this family (PMID: 20924072, 25183641). This variant has not been identified in the general population by the Genome Aggregation Database (gnomAD). Loss of APC function is a known mechanism of disease. Based on the available evidence, this variant is classified as Pathogenic.

This study involves interpretation of variants in research participants for the purpose of population health screening. Participant phenotype was not available at the time of variant classification. Additional details can be found in publication PMID: 35346344, PMCID: PMC8962531

Labcorp Genetics (formerly Invitae), Labcorp
Classification: Pathogenic for Familial adenomatous polyposis 1. Last evaluated: 2022-01-11. Review status: criteria provided, single submitter. Criteria: Invitae Variant Classification Sherloc (09022015). Collection method: clinical testing. Allele origin: germline.
Comment: For these reasons, this variant has been classified as Pathogenic. A different truncation (p.Tyr2645Lysfs*14) that lies downstream of this variant has been determined to be pathogenic (PMID: 9824584, 1316610, 27081525, 8381579, 22135120, Invitae). This suggests that deletion of this region of the APC protein is causative of disease. This variant is expected to disrupt the EB1 and HDLG binding sites, which mediate interactions with the cytoskeleton (PMID: 15311282, 17293347). While functional studies have not been performed to directly test the effect on APC protein function, this suggests that disruption of the C-terminal portion of the protein is functionally important. ClinVar contains an entry for this variant (Variation ID: 647928). This variant has not been reported in the literature in individuals affected with APC-related conditions. This variant is not present in population databases (gnomAD no frequency). This sequence change creates a premature translational stop signal (p.Ser1104*) in the APC gene. While this is not anticipated to result in nonsense mediated decay, it is expected to disrupt the last 1740 amino acid(s) of the APC protein.

Literature cited by the submitters: PubMed 20924072 (cited by All of Us Research Program, National Institutes of Health); PubMed 25183641 (cited by All of Us Research Program, National Institutes of Health); PubMed 9824584 (cited by Labcorp Genetics (formerly Invitae), Labcorp); PubMed 1316610 (cited by Labcorp Genetics (formerly Invitae), Labcorp); PubMed 27081525 (cited by Labcorp Genetics (formerly Invitae), Labcorp); PubMed 8381579 (cited by Labcorp Genetics (formerly Invitae), Labcorp); PubMed 22135120 (cited by Labcorp Genetics (formerly Invitae), Labcorp); PubMed 15311282 (cited by Labcorp Genetics (formerly Invitae), Labcorp); PubMed 17293347 (cited by Labcorp Genetics (formerly Invitae), Labcorp).